The following is an entry in ClinVar:

ClinVar aggregate classification (germline): Uncertain significance (1 of 4 stars; one submission).

Conditions:
Hereditary spastic paraplegia 11. Also called: Nakamura Osame syndrome; Autosomal recessive hereditary spastic paraplegia, mental impairment, and thin corpus callosum; Spastic Paraplegia 11; SPASTIC PARAPLEGIA, AUTOSOMAL RECESSIVE, COMPLICATED, WITH THIN CORPUS CALLOSUM; SPASTIC PARAPLEGIA, AUTOSOMAL RECESSIVE, WITH MENTAL IMPAIRMENT AND THIN CORPUS CALLOSUM; Spastic paraplegia, mental retardation and thin corpus callosum. Identifiers: Orphanet 2822, MedGen C1858479, MONDO:0011445, OMIM 604360.

Allele frequency attached by ClinVar (database versions not stated): gnomAD exomes below 0.00001.
gnomAD v4.1: 1 of 1,614,180 alleles (0.000062%); highest among the groups gnomAD compares: Admixed American, 0.0017%; no homozygotes.

Submission:

Labcorp Genetics (formerly Invitae), Labcorp
Classification: Uncertain significance for Hereditary spastic paraplegia 11. Last evaluated: 2022-01-11. Review status: criteria provided, single submitter. Criteria: Invitae Variant Classification Sherloc (09022015). Collection method: clinical testing. Allele origin: germline.
Comment: This sequence change replaces leucine, which is neutral and non-polar, with arginine, which is basic and polar, at codon 1605 of the SPG11 protein (p.Leu1605Arg). This variant is present in population databases (no rsID available, gnomAD 0.003%). This missense change has been observed in individual(s) with clinical features of SPG11-related conditions (Invitae). In at least one individual the data is consistent with being in trans (on the opposite chromosome) from a pathogenic variant. Algorithms developed to predict the effect of missense changes on protein structure and function (SIFT, PolyPhen-2, Align-GVGD) all suggest that this variant is likely to be disruptive. In summary, the available evidence is currently insufficient to determine the role of this variant in disease. Therefore, it has been classified as a Variant of Uncertain Significance.

NM_025137.4(SPG11):c.4814T>G (p.Leu1605Arg)

Gene: SPG11 (SPG11 vesicle trafficking associated, spatacsin; minus strand). Cytogenetic location: 15q21.1.
Variant type: single nucleotide variant.
Coding change: c.4814T>G on transcript NM_025137.4 (MANE Select); coding-DNA position 4814, T replaced by G.
Protein change: p.Leu1605Arg; replaces leucine 1605 with arginine.
Molecular consequence: missense variant.
Genome position (GRCh38, 1-based): chr15:44,589,344, A>C on the plus strand (T>G on the coding strand, the complement: SPG11 is on the minus strand). VCF-style: chr15-44589344-A-C. GRCh37 (hg19) VCF-style: chr15-44881542-A-C.
Other names: c.4814T>G, p.Leu1605Arg (NM_001160227.2); short protein forms L1605R.
Identifiers: ClinVar variation 1401288 (VCV001401288.3), dbSNP rs1260241430, ClinGen allele CA392224319.